The following is an entry in ClinVar:

NM_000218.3(KCNQ1):c.1394-12095A>G

Genes: KCNQ1 (potassium voltage-gated channel subfamily Q member 1; plus strand), KCNQ1OT1 (KCNQ1 opposite strand/antisense transcript 1; minus strand). Cytogenetic location: 11p15.5.
Variant type: single nucleotide variant.
Coding change: c.1394-12095A>G on transcript NM_000218.3 (MANE Select); 12095 bases into the intron before coding-DNA position 1394, A replaced by G.
Molecular consequence: intron variant.
Genome position (GRCh38, 1-based): chr11:2,649,866, A>G. VCF-style: chr11-2649866-A-G. GRCh37 (hg19) VCF-style: chr11-2671096-A-G.
Other names: c.1013-12095A>G (NM_181798.2); c.1124-12095A>G (NM_001406837.1); c.1298-12095A>G (NM_001406836.1); c.854-12095A>G (NM_001406838.1).
Identifiers: ClinVar variation 2498487 (VCV002498487.28), dbSNP rs201434624, ClinGen allele CA216161911.

ClinVar aggregate classification (germline): Benign (1 of 4 stars; one submission).

Allele frequency attached by ClinVar (database versions not stated): TOPMed 0.00035; gnomAD 0.00044; 1000 Genomes Project 0.00100; 1000 Genomes Project 30x 0.00125.
gnomAD v4.1: 619 of 398,362 alleles (0.16%); highest among the groups gnomAD compares: East Asian, 1.8%; 3 homozygotes.

Submission:

CeGaT Center for Human Genetics Tuebingen
Classification: Benign. Last evaluated: 2024-03-01. Review status: criteria provided, single submitter. Criteria: CeGaT Center For Human Genetics Tuebingen Variant Classification Criteria Version 2. Collection method: clinical testing. Allele origin: germline. Affected: yes. Observed: 5 variant alleles.
Comment: KCNQ1OT1: BS1, BS2